The following is an entry in ClinVar:

ClinVar aggregate classification (germline): Pathogenic (1 of 4 stars; one submission).

Submission:

Labcorp Genetics (formerly Invitae), Labcorp
Classification: Pathogenic. Last evaluated: 2025-07-21. Review status: criteria provided, single submitter. Criteria: Invitae Variant Classification Sherloc (09022015). Collection method: clinical testing. Allele origin: germline.
Comment: This sequence change creates a premature translational stop signal (p.Thr289Asnfs*54) in the CD55 gene. It is expected to result in an absent or disrupted protein product. Loss-of-function variants in CD55 are known to be pathogenic (PMID: 28657829, 28657861). This variant is present in population databases (rs755317052, gnomAD 0.01%). This variant has not been reported in the literature in individuals affected with CD55-related conditions. For these reasons, this variant has been classified as Pathogenic.

Literature cited by the submitters: PubMed 28657829; PubMed 28657861.

NM_000574.5(CD55):c.863dup (p.Thr289fs)

Gene: CD55 (CD55 molecule (Cromer blood group); plus strand). Cytogenetic location: 1q32.2.
Variant type: Duplication.
Coding change: c.863dup on transcript NM_000574.5 (MANE Select); coding-DNA position 863, one base duplicated (T; older notation c.863dupT).
Protein change: p.Thr289fs; shifts the reading frame from threonine 289.
Molecular consequence: frameshift variant. On other transcripts: non-coding transcript variant (1).
Genome position (GRCh38, 1-based): chr1:207,336,702, T duplicated. VCF-style (leftmost placement, unchanged base first): chr1-207336701-C-CT. GRCh37 (hg19) VCF-style: chr1-207510046-C-CT.
Other names: c.863dup, p.Thr289fs (NM_001114752.3, NM_001300902.2, NM_001300903.2 and 1 more transcripts); short protein forms T289fs.
Identifiers: ClinVar variation 4699260 (VCV004699260.1).
Genomic context (GRCh38, chr1:207,336,701, plus strand): 5'-AATGTGGCCAGCAATATTTAGCTAACTTGTTTCTCAACCTTTTCTTTCACAGGAAAATCT[C>CT]TAACTTCCAAGGTCCCACCAACAGTTCAGAAACCTACCACAGTAAATGTTCCAACTACAG-3'